The following is an entry in ClinVar:

ClinVar aggregate classification (germline): Conflicting classifications of pathogenicity. Review status: criteria provided, conflicting classifications (1 of 4 stars). 4 submissions from 4 submitters: Uncertain significance (1); Likely benign (2). 1 of the submissions does not count toward it. Last evaluated 2026-01-12.

Conditions:
Inborn genetic diseases. Identifiers: MedGen C0950123, MeSH D030342.
Hereditary insensitivity to pain with anhidrosis (CIPA). Also called: FAMILIAL DYSAUTONOMIA, TYPE II; NEUROPATHY, CONGENITAL SENSORY, WITH ANHIDROSIS; hereditary sensory and autonomic neuropathy type 4; HSAN Type IV; INSENSITIVITY TO PAIN, CONGENITAL, WITH ANHIDROSIS; NTRK1 Congenital Insensitivity to Pain with Anhidrosis. Identifiers: Orphanet 642, MedGen C0020074, MONDO:0009746, OMIM 256800.

Allele frequency attached by ClinVar (database versions not stated): gnomAD 0.00006; 1000 Genomes Project 0.00020; TOPMed 0.00023; 1000 Genomes Project 30x 0.00031; ESP Exome Variant Server 0.00031.

Submissions (4):

Labcorp Genetics (formerly Invitae), Labcorp
Classification: Likely benign for Hereditary insensitivity to pain with anhidrosis. Last evaluated: 2026-01-12. Review status: criteria provided, single submitter. Criteria: Invitae Variant Classification Sherloc (09022015). Collection method: clinical testing. Allele origin: germline.

Ambry Genetics
Classification: Likely benign for Inborn genetic diseases. Last evaluated: 2024-01-04. Review status: criteria provided, single submitter. Criteria: Ambry Variant Classification Scheme 2023. Collection method: clinical testing. Allele origin: germline.

GeneDx
Classification: Uncertain significance. Last evaluated: 2015-09-03. Review status: criteria provided, single submitter. Criteria: GeneDx Variant Classification (06012015). Collection method: clinical testing. Allele origin: germline. Affected: yes.
Comment: The R157H variant has not been published as pathogenic, nor has it been reported as a benign polymorphism to our knowledge. It has been reported three times as a variant of unknown significance in an external database. R157H was not observed with any significant frequency in the 1000 Genomes Project or in approximately 6,500 individuals of European and African American ancestry in the NHLBI Exome Sequencing Project. The R157H variant is a conservative amino acid substitution, which is not likely to impact secondary protein structure as these residues share similar properties. This substitution occurs at a position that is not conserved across species, and in silico analysis predicts this variant likely does not alter the protein structure/function. Therefore, based on the currently available information, it is unclear whether this variant is a pathogenic or a rare benign variant.

Natera, Inc.
Classification: Uncertain significance for Hereditary insensitivity to pain with anhidrosis. Last evaluated: 2020-04-17. Review status: no assertion criteria provided. Collection method: clinical testing. Allele origin: germline. Not counted in ClinVar's aggregate classification.

NM_002529.4(NTRK1):c.470G>A (p.Arg157His)

Gene: NTRK1 (neurotrophic receptor tyrosine kinase 1; plus strand). Cytogenetic location: 1q23.1.
Variant type: single nucleotide variant.
Coding change: c.470G>A on transcript NM_002529.4 (MANE Select); coding-DNA position 470, G replaced by A.
Protein change: p.Arg157His; replaces arginine 157 with histidine.
Molecular consequence: missense variant.
Genome position (GRCh38, 1-based): chr1:156,868,145, G>A. VCF-style: chr1-156868145-G-A. GRCh37 (hg19) VCF-style: chr1-156837937-G-A.
Other names: c.380G>A, p.Arg127His (NM_001007792.1); c.470G>A, p.Arg157His (NM_001012331.2); short protein forms R127H, R157H.
Identifiers: ClinVar variation 245924 (VCV000245924.14), dbSNP rs141021604, ClinGen allele CA1168991.